The following is an entry in ClinVar:

NM_001003694.2(BRPF1):c.89A>G (p.Lys30Arg)

Gene: BRPF1 (bromodomain and PHD finger containing 1; plus strand). Cytogenetic location: 3p25.3.
Variant type: single nucleotide variant.
Coding change: c.89A>G on transcript NM_001003694.2 (MANE Select); coding-DNA position 89, A replaced by G.
Protein change: p.Lys30Arg; replaces lysine 30 with arginine.
Molecular consequence: missense variant. On other transcripts: non-coding transcript variant (1).
Genome position (GRCh38, 1-based): chr3:9,734,229, A>G. VCF-style: chr3-9734229-A-G. GRCh37 (hg19) VCF-style: chr3-9775913-A-G.
Other names: c.89A>G, p.Lys30Arg (NM_001319049.2, NM_001319050.2, NM_001410704.1 and 1 more transcripts); short protein forms K30R.
Identifiers: ClinVar variation 1805696 (VCV001805696.1), dbSNP rs2471445235, ClinGen allele CA351678871.

ClinVar aggregate classification (germline): Uncertain significance (1 of 4 stars; one submission).

Conditions:
Intellectual developmental disorder with dysmorphic facies and ptosis (IDDDFP). Identifiers: Orphanet 698090, MedGen C4310617, MONDO:0015022, OMIM 617333.

Allele frequency attached by ClinVar (database versions not stated): gnomAD exomes 0.00001.
gnomAD v4.1: 23 of 1,614,142 alleles (0.0014%); highest among the groups gnomAD compares: Non-Finnish European, 0.0018%; no homozygotes.

Submission:

Victorian Clinical Genetics Services, Murdoch Childrens Research Institute
Classification: Uncertain significance for Intellectual developmental disorder with dysmorphic facies and ptosis. Last evaluated: 2020-05-21. Review status: criteria provided, single submitter. Criteria: ACMG Guidelines, 2015. Collection method: clinical testing. Allele origin: germline. Inheritance: Autosomal dominant inheritance. Affected: yes.
Comment: Based on the classification scheme VCGS_Germline_v1.1.1, this variant is classified as 3C-VUS. Following criteria are met: 0102 - Loss-of-function is a known mechanism of disease for this gene. (N) 0107 - This gene is known to be associated with autosomal dominant disease. (N) 0200 - Variant is predicted to result in a missense amino acid change from lysine to arginine (exon 2). (N) 0251 - Variant is heterozygous. (N) 0301 - Variant is absent from gnomAD. (P) 0503 - Missense variant consistently predicted to be tolerated or not conserved in mammals with a minor amino acid change. (B) 0600 - Variant is located in an annotated domain or motif, the zinc finger region (PDB). (N) 0705 - No comparable variants have previous evidence for pathogenicity. (N) 0807 - Variant has not previously been reported in a clinical context. (N) 0905 - No segregation evidence has been identified for this variant. (N) 1007 - No published functional evidence has been identified for this variant. (N) 1208 - Inheritance information for this variant is not currently available. (N) Legend: (P) - Pathogenic, (N) - Neutral, (B) - Benign